The following is an entry in ClinVar:

NM_000395.3(CSF2RB):c.1107C>G (p.Asp369Glu)

Gene: CSF2RB (colony stimulating factor 2 receptor subunit beta; plus strand). Cytogenetic location: 22q12.3.
Variant type: single nucleotide variant.
Coding change: c.1107C>G on transcript NM_000395.3 (MANE Select); coding-DNA position 1107, C replaced by G.
Protein change: p.Asp369Glu; replaces aspartic acid 369 with glutamic acid.
Molecular consequence: missense variant.
Genome position (GRCh38, 1-based): chr22:36,932,859, C>G. VCF-style: chr22-36932859-C-G. GRCh37 (hg19) VCF-style: chr22-37328901-C-G.
Other names: short protein forms D369E.
Identifiers: ClinVar variation 504874 (VCV000504874.11), dbSNP rs139685237, ClinGen allele CA10213698.

ClinVar aggregate classification (germline): Conflicting classifications of pathogenicity. Review status: criteria provided, conflicting classifications (1 of 4 stars). 3 submissions from 3 submitters: Uncertain significance (2); Likely benign (1). Last evaluated 2025-09-04.

Conditions:
Inborn genetic diseases. Identifiers: MedGen C0950123, MeSH D030342.

Allele frequency attached by ClinVar (database versions not stated): gnomAD 0.00003; TOPMed 0.00004; ESP Exome Variant Server 0.00008; ExAC 0.00011; 1000 Genomes Project 30x 0.00016; 1000 Genomes Project 0.00020.
gnomAD v4.1: 55 of 1,614,170 alleles (0.0034%); highest among the groups gnomAD compares: Admixed American, 0.0083%; no homozygotes.

Submissions (3):

Labcorp Genetics (formerly Invitae), Labcorp
Classification: Uncertain significance. Last evaluated: 2025-09-04. Review status: criteria provided, single submitter. Criteria: Invitae Variant Classification Sherloc (09022015). Collection method: clinical testing. Allele origin: germline.
Comment: This sequence change replaces aspartic acid, which is acidic and polar, with glutamic acid, which is acidic and polar, at codon 369 of the CSF2RB protein (p.Asp369Glu). This variant is present in population databases (rs139685237, gnomAD 0.01%). This variant has not been reported in the literature in individuals affected with CSF2RB-related conditions. ClinVar contains an entry for this variant (Variation ID: 504874). Invitae Evidence Modeling of protein sequence and biophysical properties (such as structural, functional, and spatial information, amino acid conservation, physicochemical variation, residue mobility, and thermodynamic stability) indicates that this missense variant is not expected to disrupt CSF2RB protein function with a negative predictive value of 80%. In summary, the available evidence is currently insufficient to determine the role of this variant in disease. Therefore, it has been classified as a Variant of Uncertain Significance.

Ambry Genetics
Classification: Uncertain significance for Inborn genetic diseases. Last evaluated: 2023-05-24. Review status: criteria provided, single submitter. Criteria: Ambry Variant Classification Scheme 2023. Collection method: clinical testing. Allele origin: germline.

Laboratory for Molecular Medicine, Mass General Brigham Personalized Medicine
Classification: Likely benign. Last evaluated: 2017-05-15. Review status: criteria provided, single submitter. Criteria: LMM Criteria. Collection method: clinical testing. Allele origin: germline. Observed: 1 variant allele.
Comment: p.Asp369Glu in exon 9 of CSF2RB: This variant is not expected to have clinical s ignificance due to a lack of conservation across species, including mammals. Of note, >10 mammals have a glutamic acid at this position. In addition, computatio nal prediction tools do not suggest a high likelihood of impact to the protein. This variant has been identified in 14/126682 European chromosomes by the Genome Aggregation Database (gnomAD; dbSNP rs1396852 37).